The following is an entry in ClinVar:

NM_000478.6(ALPL):c.1043C>A (p.Ala348Asp)

Gene: ALPL (alkaline phosphatase, biomineralization associated; plus strand). Cytogenetic location: 1p36.12.
Variant type: single nucleotide variant.
Coding change: c.1043C>A on transcript NM_000478.6 (MANE Select); coding-DNA position 1043, C replaced by A.
Protein change: p.Ala348Asp; replaces alanine 348 with aspartic acid.
Molecular consequence: missense variant.
Genome position (GRCh38, 1-based): chr1:21,575,778, C>A. VCF-style: chr1-21575778-C-A. GRCh37 (hg19) VCF-style: chr1-21902271-C-A.
Other names: c.878C>A, p.Ala293Asp (NM_001127501.4); c.812C>A, p.Ala271Asp (NM_001177520.3); c.1043C>A, p.Ala348Asp (NM_001369803.2, NM_001369804.2, NM_001369805.2); short protein forms A271D, A293D, A348D.
Identifiers: ClinVar variation 4086860 (VCV004086860.2).

ClinVar aggregate classification (germline): Likely pathogenic. Review status: criteria provided, multiple submitters, no conflicts (2 of 4 stars). 2 submissions from 2 submitters: Likely pathogenic (2). Last evaluated 2025-08-29.

Conditions:
Hypophosphatasia. Also called: Phosphoethanol-aminuria. Identifiers: Orphanet 436, MedGen C0020630, MeSH D007014, MONDO:0018570.

Submissions (2):

Genomenon, Inc
Classification: Likely pathogenic for Hypophosphatasia. Last evaluated: 2025-08-29. Review status: criteria provided, single submitter. Criteria: Genomenon Sequence Variant Interpretation Standards. Collection method: curation. Allele origin: germline. Affected: yes.
Comment: ALPL c.1043C>A is a missense variant that changes the amino acid at residue 348 from Alanine to Aspartic acid. This variant has been observed in at least one proband affected with hypophosphatasia (PMID:38884565). It is absent or not present at a significant frequency in gnomAD. In silico models agree that this variant is possibly or probably damaging. The presence of pathogenic missense variant(s) at the same amino acid position indicates that this residue is likely important for protein function. In conclusion, we classify ALPL p.Ala348Asp (c.1043C>A) as a likely pathogenic variant.

JKU Lab, Dept of Paediatrics, Johannes Kepler University
Classification: Likely pathogenic for Hypophosphatasia. Last evaluated: 2025-06-26. Review status: criteria provided, single submitter. Criteria: ACMG Guidelines, 2015. Collection method: curation, in vitro. Allele origin: germline, not applicable. Affected: yes. Observed: 1 heterozygote. Functional consequence: decreased enzyme activity.
Comment: This missense variant is not present in GnomAD 4.1 and affects a highly conserved amino acid in proximity of the active site domain. The variant is predicted to affect protein function (REVEL score: 0.902). Splice-prediction algorithms predict no effect on splicing. In vitro functional studies showed reduced ALP activity without a dominant negative effect. This variant has been reported in the literature in individuals affected by ALPL-related conditions (PMID: 38884565). The results of the functional testing and the applied ACMG criteria can be viewed at an online resource

Literature cited by the submitters: PubMed 38884565 (cited by Genomenon, Inc and JKU Lab, Dept of Paediatrics, Johannes Kepler University).